The following is an entry in ClinVar:

ClinVar aggregate classification (germline): Uncertain significance (1 of 4 stars; one submission).

gnomAD v4.1: 7 of 1,610,148 alleles (0.00043%); highest among the groups gnomAD compares: Middle Eastern, 0.033%; no homozygotes.

Submission:

Labcorp Genetics (formerly Invitae), Labcorp
Classification: Uncertain significance. Last evaluated: 2024-11-13. Review status: criteria provided, single submitter. Criteria: Invitae Variant Classification Sherloc (09022015). Collection method: clinical testing. Allele origin: germline.
Comment: This sequence change replaces glycine, which is neutral and non-polar, with serine, which is neutral and polar, at codon 1106 of the ANK3 protein (p.Gly1106Ser). This variant is present in population databases (rs144288062, gnomAD 0.008%). This variant has not been reported in the literature in individuals affected with ANK3-related conditions. Invitae Evidence Modeling of protein sequence and biophysical properties (such as structural, functional, and spatial information, amino acid conservation, physicochemical variation, residue mobility, and thermodynamic stability) indicates that this missense variant is not expected to disrupt ANK3 protein function with a negative predictive value of 80%. In summary, the available evidence is currently insufficient to determine the role of this variant in disease. Therefore, it has been classified as a Variant of Uncertain Significance.

NM_020987.5(ANK3):c.3316G>A (p.Gly1106Ser)

Gene: ANK3 (ankyrin 3; minus strand). Cytogenetic location: 10q21.2.
Variant type: single nucleotide variant.
Coding change: c.3316G>A on transcript NM_020987.5 (MANE Select); coding-DNA position 3316, G replaced by A.
Protein change: p.Gly1106Ser; replaces glycine 1106 with serine.
Molecular consequence: missense variant.
Genome position (GRCh38, 1-based): chr10:60,105,917, C>T on the plus strand (G>A on the coding strand, the complement: ANK3 is on the minus strand). VCF-style: chr10-60105917-C-T. GRCh37 (hg19) VCF-style: chr10-61865675-C-T.
Other names: c.718G>A, p.Gly240Ser (NM_001149.4); c.3298G>A, p.Gly1100Ser (NM_001204403.2); c.3319G>A, p.Gly1107Ser (NM_001204404.2); c.3316G>A, p.Gly1106Ser (NM_001320874.2); short protein forms G1107S, G240S, G1100S, G1106S.
Identifiers: ClinVar variation 3706005 (VCV003706005.2).
Genomic context (GRCh38, chr10:60,105,917, plus strand): 5'-AATTTCTGCCTGCAGACATTTACAGAACCAAGGAGCCATCATTATTACCTTCATCCATGC[C>T]ATTAAGTAACTCGGTTAAATCTTCATTTTTGCTGTCAAACTGATGCTCCTTCCAAGTTTC-3'
Protein context (NP_066267.2, residues 1096-1116): KNEDLTELLN[Gly1106Ser]MDEELDSPEE